The following is an entry in ClinVar:

NM_015981.4(CAMK2A):c.37T>C (p.Tyr13His)

Gene: CAMK2A (calcium/calmodulin dependent protein kinase II alpha; minus strand). Cytogenetic location: 5q32.
Variant type: single nucleotide variant.
Coding change: c.37T>C on transcript NM_015981.4 (MANE Select); coding-DNA position 37, T replaced by C.
Protein change: p.Tyr13His; replaces tyrosine 13 with histidine.
Molecular consequence: missense variant.
Genome position (GRCh38, 1-based): chr5:150,289,589, A>G on the plus strand (T>C on the coding strand, the complement: CAMK2A is on the minus strand). VCF-style: chr5-150289589-A-G. GRCh37 (hg19) VCF-style: chr5-149669152-A-G.
Other names: c.37T>C, p.Tyr13His (NM_001363989.1, NM_001363990.1, NM_001369025.2 and 1 more transcripts); short protein forms Y13H.
Identifiers: ClinVar variation 4086666 (VCV004086666.1).

ClinVar aggregate classification (germline): Uncertain significance (1 of 4 stars; one submission).

Submission:

GeneDx
Classification: Uncertain significance. Last evaluated: 2025-03-20. Review status: criteria provided, single submitter. Criteria: GeneDx Variant Classification Process June 2021. Collection method: clinical testing. Allele origin: germline. Affected: yes.
Comment: Not observed at significant frequency in large population cohorts (gnomAD); In silico analysis supports that this missense variant has a deleterious effect on protein structure/function; Has not been previously published as pathogenic or benign to our knowledge